The following is an entry in ClinVar:

NM_177550.5(SLC13A5):c.1199A>T (p.Lys400Met)

Gene: SLC13A5 (solute carrier family 13 member 5; minus strand). Cytogenetic location: 17p13.1.
Variant type: single nucleotide variant.
Coding change: c.1199A>T on transcript NM_177550.5 (MANE Select); coding-DNA position 1199, A replaced by T.
Protein change: p.Lys400Met; replaces lysine 400 with methionine.
Molecular consequence: missense variant.
Genome position (GRCh38, 1-based): chr17:6,693,120, T>A on the plus strand (A>T on the coding strand, the complement: SLC13A5 is on the minus strand). VCF-style: chr17-6693120-T-A. GRCh37 (hg19) VCF-style: chr17-6596439-T-A.
Other names: c.1199A>T, p.Lys400Met (NM_001143838.3); c.1148A>T, p.Lys383Met (NM_001284509.2); c.1070A>T, p.Lys357Met (NM_001284510.2); short protein forms K357M, K383M, K400M.
Identifiers: ClinVar variation 949540 (VCV000949540.10), dbSNP rs1973457144, ClinGen allele CA397741439.

ClinVar aggregate classification (germline): Uncertain significance (1 of 4 stars; one submission).

Conditions:
Developmental and epileptic encephalopathy, 25 (DEE25). Also called: Developmental and epileptic encephalopathy 25, with amelogenesis imperfecta; Epileptic encephalopathy, early infantile, 25, with amelogenesis imperfecta; Epileptic encephalopathy, early infantile, 25. Identifiers: Orphanet 442835, MedGen C4014621, MONDO:0014392, OMIM 615905.

Submission:

Labcorp Genetics (formerly Invitae), Labcorp
Classification: Uncertain significance for Developmental and epileptic encephalopathy, 25. Last evaluated: 2019-04-25. Review status: criteria provided, single submitter. Criteria: Invitae Variant Classification Sherloc (09022015). Collection method: clinical testing. Allele origin: germline.
Comment: Algorithms developed to predict the effect of missense changes on protein structure and function are either unavailable or do not agree on the potential impact of this missense change (SIFT: "Deleterious"; PolyPhen-2: "Probably Damaging"; Align-GVGD: "Class C0"). This variant has not been reported in the literature in individuals with SLC13A5-related conditions. This variant is not present in population databases (ExAC no frequency). This sequence change replaces lysine with methionine at codon 400 of the SLC13A5 protein (p.Lys400Met). The lysine residue is moderately conserved and there is a moderate physicochemical difference between lysine and methionine. In summary, the available evidence is currently insufficient to determine the role of this variant in disease. Therefore, it has been classified as a Variant of Uncertain Significance.